The following is an entry in ClinVar:

NM_001136191.3(KANK2):c.1697G>A (p.Arg566Gln)

Gene: KANK2 (KN motif and ankyrin repeat domains 2; minus strand). Cytogenetic location: 19p13.2.
Variant type: single nucleotide variant.
Coding change: c.1697G>A on transcript NM_001136191.3 (MANE Select); coding-DNA position 1697, G replaced by A.
Protein change: p.Arg566Gln; replaces arginine 566 with glutamine.
Molecular consequence: missense variant.
Genome position (GRCh38, 1-based): chr19:11,176,641, C>T on the plus strand (G>A on the coding strand, the complement: KANK2 is on the minus strand). VCF-style: chr19-11176641-C-T. GRCh37 (hg19) VCF-style: chr19-11287317-C-T.
Other names: c.1697G>A, p.Arg566Gln (NM_001329451.2, NM_001379555.1, NM_001379556.1 and 7 more transcripts); c.1721G>A, p.Arg574Gln (NM_001379548.1, NM_001379549.1, NM_001379550.1 and 5 more transcripts); short protein forms R574Q, R566Q.
Identifiers: ClinVar variation 2193291 (VCV002193291.4), dbSNP rs111233026, ClinGen allele CA305340148.

ClinVar aggregate classification (germline): Uncertain significance (1 of 4 stars; one submission).

Allele frequency attached by ClinVar (database versions not stated): TOPMed below 0.00001; gnomAD exomes 0.00001; gnomAD 0.00002; ESP Exome Variant Server 0.00008.

Submission:

Labcorp Genetics (formerly Invitae), Labcorp
Classification: Uncertain significance. Last evaluated: 2025-06-12. Review status: criteria provided, single submitter. Criteria: Invitae Variant Classification Sherloc (09022015). Collection method: clinical testing. Allele origin: germline.
Comment: This sequence change replaces arginine, which is basic and polar, with glutamine, which is neutral and polar, at codon 566 of the KANK2 protein (p.Arg566Gln). This variant is present in population databases (rs111233026, gnomAD 0.0009%). This variant has not been reported in the literature in individuals affected with KANK2-related conditions. ClinVar contains an entry for this variant (Variation ID: 2193291). An algorithm developed to predict the effect of missense changes on protein structure and function outputs the following: PolyPhen-2: "Benign". The glutamine amino acid residue is found in multiple mammalian species, which suggests that this missense change does not adversely affect protein function. In summary, the available evidence is currently insufficient to determine the role of this variant in disease. Therefore, it has been classified as a Variant of Uncertain Significance.